The following is an entry in ClinVar:

ClinVar aggregate classification (germline): Uncertain significance (1 of 4 stars; one submission).

Allele frequency attached by ClinVar (database versions not stated): TOPMed below 0.00001.

Submission:

GeneDx
Classification: Uncertain significance. Last evaluated: 2022-11-11. Review status: criteria provided, single submitter. Criteria: GeneDx Variant Classification Process June 2021. Collection method: clinical testing. Allele origin: germline. Affected: yes.
Comment: Not observed at significant frequency in large population cohorts (gnomAD); Has not been previously published as pathogenic or benign to our knowledge; In silico analysis suggests this variant may impact gene splicing. In the absence of RNA/functional studies, the actual effect of this sequence change is unknown.

NM_001164760.2(PRKAR1B):c.974-5C>G

Gene: PRKAR1B (protein kinase cAMP-dependent type I regulatory subunit beta; minus strand). Cytogenetic location: 7p22.3.
Variant type: single nucleotide variant.
Coding change: c.974-5C>G on transcript NM_001164760.2 (MANE Select); 5 bases into the intron before coding-DNA position 974, C replaced by G.
Molecular consequence: intron variant.
Genome position (GRCh38, 1-based): chr7:550,607, G>C on the plus strand (C>G on the coding strand, the complement: PRKAR1B is on the minus strand). VCF-style: chr7-550607-G-C. GRCh37 (hg19) VCF-style: chr7-590244-G-C.
Other names: c.974-5C>G (NM_001164759.1, NM_001164758.2, NM_001164761.2 and 2 more transcripts).
Identifiers: ClinVar variation 2501851 (VCV002501851.1), dbSNP rs1784120104, ClinGen allele CA1682027837.
Genomic context (GRCh38, chr7:550,607, plus strand): 5'-CCCCCGGGCCACGACAGTGGCCGCCCGGGGCCGGTTCAGCAGCAGTGCAATCTCCCCTGG[G>C]GGTTGAAGAGAGAGGTCAGGGCTGGGCCTGGGGGTCCTGAGGCTGCAGCAGGGAAAGATT-3'